The following is an entry in ClinVar:

ClinVar aggregate classification (germline): Conflicting classifications of pathogenicity. Review status: criteria provided, conflicting classifications (1 of 4 stars). 4 submissions from 4 submitters: Uncertain significance (2); Likely benign (1). 1 of the submissions does not count toward it. Last evaluated 2024-03-26.

Conditions:
Hypogonadotropic hypogonadism 7 with or without anosmia (HH7). Also called: GNRHR-Related GnRH Deficiency; HYPOGONADOTROPIC HYPOGONADISM 7 WITHOUT ANOSMIA. Identifiers: Orphanet 432, MedGen C0342384, MONDO:0007794, OMIM 146110.
CHARGE syndrome (CHARGE). Also called: Coloboma, heart anomaly, choanal atresia, retardation, genital and ear anomalies; CHARGE association; Hall-Hittner syndrome; Hittner Hirsch Kreh syndrome; CHARGE ASSOCIATION--COLOBOMA, HEART ANOMALY, CHOANAL ATRESIA, RETARDATION, GENITAL AND EAR ANOMALIES. Identifiers: Orphanet 138, MedGen C0265354, MONDO:0008965.
SEMA3E-related disorder. Also called: SEMA3E-related condition.

Allele frequency attached by ClinVar (database versions not stated): TOPMed 0.00001.

Submissions (4):

Labcorp Genetics (formerly Invitae), Labcorp
Classification: Uncertain significance for CHARGE syndrome. Last evaluated: 2024-03-26. Review status: criteria provided, single submitter. Criteria: Invitae Variant Classification Sherloc (09022015). Collection method: clinical testing. Allele origin: germline.
Comment: This sequence change replaces alanine, which is neutral and non-polar, with threonine, which is neutral and polar, at codon 261 of the SEMA3E protein (p.Ala261Thr). This variant is present in population databases (rs773917768, gnomAD 0.006%). This variant has not been reported in the literature in individuals affected with SEMA3E-related conditions. ClinVar contains an entry for this variant (Variation ID: 1514639). Advanced modeling of protein sequence and biophysical properties (such as structural, functional, and spatial information, amino acid conservation, physicochemical variation, residue mobility, and thermodynamic stability) performed at Invitae indicates that this missense variant is not expected to disrupt SEMA3E protein function with a negative predictive value of 80%. In summary, the available evidence is currently insufficient to determine the role of this variant in disease. Therefore, it has been classified as a Variant of Uncertain Significance.

Ambry Genetics
Classification: Likely benign. Last evaluated: 2024-01-09. Review status: criteria provided, single submitter. Criteria: Ambry Variant Classification Scheme 2023. Collection method: clinical testing. Allele origin: germline.

Fulgent Genetics
Classification: Uncertain significance for Hypogonadotropic hypogonadism 7 with or without anosmia; CHD7-related CHARGE syndrome. Last evaluated: 2022-04-21. Review status: criteria provided, single submitter. Criteria: ACMG Guidelines, 2015. Collection method: clinical testing. Allele origin: unknown.

PreventionGenetics, part of Exact Sciences
Classification: Uncertain significance for SEMA3E-related condition. Last evaluated: 2024-05-15. Review status: no assertion criteria provided. Collection method: clinical testing. Allele origin: germline. Not counted in ClinVar's aggregate classification.
Comment: The SEMA3E c.781G>A variant is predicted to result in the amino acid substitution p.Ala261Thr. To our knowledge, this variant has not been reported in the literature. This variant is reported in 0.0054% of alleles in individuals of East Asian descent in gnomAD. At this time, the clinical significance of this variant is uncertain due to the absence of conclusive functional and genetic evidence.

NM_012431.3(SEMA3E):c.781G>A (p.Ala261Thr)

Gene: SEMA3E (semaphorin 3E; minus strand). Cytogenetic location: 7q21.11.
Variant type: single nucleotide variant.
Coding change: c.781G>A on transcript NM_012431.3 (MANE Select); coding-DNA position 781, G replaced by A.
Protein change: p.Ala261Thr; replaces alanine 261 with threonine.
Molecular consequence: missense variant.
Genome position (GRCh38, 1-based): chr7:83,407,129, C>T on the plus strand (G>A on the coding strand, the complement: SEMA3E is on the minus strand). VCF-style: chr7-83407129-C-T. GRCh37 (hg19) VCF-style: chr7-83036445-C-T.
Other names: c.781G>A (NM_012431.2); c.601G>A, p.Ala201Thr (NM_001178129.2); short protein forms A201T, A261T.
Identifiers: ClinVar variation 1514639 (VCV001514639.9), dbSNP rs773917768, ClinGen allele CA4322218.